The following is an entry in ClinVar:

NC_000001.10:g.(218520390_218578510)_(218610839_218614545)del

Gene: TGFB2 (transforming growth factor beta 2; plus strand). Cytogenetic location: 1q41.
Variant type: Deletion.
Identifiers: ClinVar variation 4688243 (VCV004688243.1).

ClinVar aggregate classification (germline): Pathogenic (1 of 4 stars; one submission).

Conditions:
Familial aortopathy. Identifiers: MedGen CN078214.

Submission:

Women's Health and Genetics/Laboratory Corporation of America, LabCorp
Classification: Pathogenic for Familial aortopathy. Last evaluated: 2025-12-17. Review status: criteria provided, single submitter. Criteria: LabCorp Variant Classification Summary - May 2015. Collection method: clinical testing. Allele origin: germline.
Comment: Variant summary: The variant involves the deletion of exons 2-6 in the TGFB2 gene. This Copy Number Variant (CNV) is expected to alter the reading frame and predicted to result in a truncation or absence of the encoded protein. Loss-of-function variants in this gene are known to be pathogenic. A presumed nomenclature of c.(346+1_347-1)_(1086+1_1087-1)del has been designated for the purposes of this classification. The variant was absent in 21694 control chromosomes. To our knowledge, no occurrence of c.(346+1_347-1)_(1086+1_1087-1)del in individuals affected with TGFB2-related conditions and no experimental evidence demonstrating its impact on protein function have been reported. ClinVar contains an entry for this variant (Variation ID: 1066178). Based on the evidence outlined above, the variant was classified as pathogenic.